The following is an entry in ClinVar:

NM_018979.4(WNK1):c.6617T>G (p.Val2206Gly)

Gene: WNK1 (WNK lysine deficient protein kinase 1; plus strand). Cytogenetic location: 12p13.33.
Variant type: single nucleotide variant.
Coding change: c.6617T>G on transcript NM_018979.4 (MANE Select); coding-DNA position 6617, T replaced by G.
Protein change: p.Val2206Gly; replaces valine 2206 with glycine.
Molecular consequence: missense variant.
Genome position (GRCh38, 1-based): chr12:900,644, T>G. VCF-style: chr12-900644-T-G. GRCh37 (hg19) VCF-style: chr12-1009810-T-G.
Other names: c.7397T>G, p.Val2466Gly (NM_001184985.2); c.5873T>G, p.Val1958Gly (NM_014823.3); c.7373T>G, p.Val2458Gly (NM_213655.5); short protein forms V1958G, V2206G, V2458G, V2466G.
Identifiers: ClinVar variation 1713301 (VCV001713301.5), dbSNP rs2497736521, ClinGen allele CA383338326.

ClinVar aggregate classification (germline): Uncertain significance (1 of 4 stars; one submission).

Conditions:
Neuropathy, hereditary sensory and autonomic, type 2A (HSAN2A). Also called: ACROOSTEOLYSIS, GIACCAI TYPE; ACROOSTEOLYSIS, NEUROGENIC; HSAN IIA; WNK1-Related HSAN2 (HSAN2A); MORVAN DISEASE; NEUROPATHY, CONGENITAL SENSORY. Identifiers: Orphanet 970, MedGen C2752089, MONDO:0024309, OMIM 201300.
Pseudohypoaldosteronism type 2C (PHA2C). Also called: Pseudohypoaldosteronism Type IIC. Identifiers: Orphanet 757, Orphanet 88940, MedGen C1840391, MONDO:0013778, OMIM 614492.

Submission:

Labcorp Genetics (formerly Invitae), Labcorp
Classification: Uncertain significance for Neuropathy, hereditary sensory and autonomic, type 2A; Pseudohypoaldosteronism type 2C. Last evaluated: 2022-07-22. Review status: criteria provided, single submitter. Criteria: Invitae Variant Classification Sherloc (09022015). Collection method: clinical testing. Allele origin: germline.
Comment: In summary, the available evidence is currently insufficient to determine the role of this variant in disease. Therefore, it has been classified as a Variant of Uncertain Significance. Advanced modeling of protein sequence and biophysical properties (such as structural, functional, and spatial information, amino acid conservation, physicochemical variation, residue mobility, and thermodynamic stability) performed at Invitae indicates that this missense variant is not expected to disrupt WNK1 protein function. This variant has not been reported in the literature in individuals affected with WNK1-related conditions. This variant is not present in population databases (gnomAD no frequency). This sequence change replaces valine, which is neutral and non-polar, with glycine, which is neutral and non-polar, at codon 2458 of the WNK1 protein (p.Val2458Gly).